The following is an entry in ClinVar:

NM_152424.4(AMER1):c.3277G>A (p.Glu1093Lys)

Gene: AMER1 (APC membrane recruitment protein 1; minus strand). Cytogenetic location: Xq11.2.
Variant type: single nucleotide variant.
Coding change: c.3277G>A on transcript NM_152424.4 (MANE Select); coding-DNA position 3277, G replaced by A.
Protein change: p.Glu1093Lys; replaces glutamic acid 1093 with lysine.
Molecular consequence: missense variant.
Genome position (GRCh38, 1-based): chrX:64,190,010, C>T on the plus strand (G>A on the coding strand, the complement: AMER1 is on the minus strand). VCF-style: chrX-64190010-C-T. GRCh37 (hg19) VCF-style: chrX-63409890-C-T.
Other names: short protein forms E1093K.
Identifiers: ClinVar variation 2860087 (VCV002860087.3), dbSNP rs1314155750, ClinGen allele CA413301150.

ClinVar aggregate classification (germline): Uncertain significance (1 of 4 stars; one submission).

Allele frequency attached by ClinVar (database versions not stated): gnomAD 0.00002; TOPMed 0.00002.
gnomAD v4.1: 3 of 1,204,772 alleles (0.00025%); highest among the groups gnomAD compares: African/African-American, 0.0053%; no homozygotes.

Submission:

Labcorp Genetics (formerly Invitae), Labcorp
Classification: Uncertain significance. Last evaluated: 2024-07-30. Review status: criteria provided, single submitter. Criteria: Invitae Variant Classification Sherloc (09022015). Collection method: clinical testing. Allele origin: germline.
Comment: This sequence change replaces glutamic acid, which is acidic and polar, with lysine, which is basic and polar, at codon 1093 of the AMER1 protein (p.Glu1093Lys). The frequency data for this variant in the population databases is considered unreliable, as metrics indicate poor data quality at this position in the gnomAD database. This variant has not been reported in the literature in individuals affected with AMER1-related conditions. An algorithm developed to predict the effect of missense changes on protein structure and function outputs the following: PolyPhen-2: "Benign". The lysine amino acid residue is found in multiple mammalian species, which suggests that this missense change does not adversely affect protein function. In summary, the available evidence is currently insufficient to determine the role of this variant in disease. Therefore, it has been classified as a Variant of Uncertain Significance.